The following is an entry in ClinVar:

ClinVar aggregate classification (germline): Pathogenic (1 of 4 stars; one submission).

Conditions:
Familial cancer of breast. Also called: hereditary breast carcinoma; BREAST CANCER, FAMILIAL; Hereditary breast cancer. Identifiers: Orphanet 227535, MedGen C0346153, MONDO:0016419, OMIM 114480. Disease mechanism: loss of function.

Submission:

Labcorp Genetics (formerly Invitae), Labcorp
Classification: Pathogenic for Familial cancer of breast. Last evaluated: 2023-02-23. Review status: criteria provided, single submitter. Criteria: Invitae Variant Classification Sherloc (09022015). Collection method: clinical testing. Allele origin: germline.
Comment: This sequence change creates a premature translational stop signal (p.Pro785Thrfs*17) in the PALB2 gene. It is expected to result in an absent or disrupted protein product. Loss-of-function variants in PALB2 are known to be pathogenic (PMID: 17200668, 17200671, 17200672, 24136930, 25099575). This variant is not present in population databases (gnomAD no frequency). This variant has not been reported in the literature in individuals affected with PALB2-related conditions. For these reasons, this variant has been classified as Pathogenic.

Literature cited by the submitters: PubMed 17200668; PubMed 17200671; PubMed 17200672; PubMed 24136930; PubMed 25099575.

NM_024675.4(PALB2):c.2352dup (p.Pro785fs)

Gene: PALB2 (partner and localizer of BRCA2; minus strand). Cytogenetic location: 16p12.2.
Variant type: Duplication.
Coding change: c.2352dup on transcript NM_024675.4 (MANE Select); coding-DNA position 2352, one base duplicated (A; older notation c.2352dupA).
Protein change: p.Pro785fs; shifts the reading frame from proline 785.
Molecular consequence: frameshift variant. On other transcripts: intron variant (1).
Genome position (GRCh38, 1-based): chr16:23,629,802, T duplicated on the plus strand (A on the coding strand, the reverse complement: PALB2 is on the minus strand); the first of 4 consecutive T bases (chr16:23,629,802-23,629,805); duplicating any one gives the same sequence. VCF-style (leftmost placement, unchanged base first): chr16-23629801-G-GT. GRCh37 (hg19) VCF-style: chr16-23641122-G-GT.
Other names: c.2292dup, p.Pro765fs (NM_001407296.1); c.2352dup, p.Pro785fs (NM_001407297.1, NM_001407298.1, NM_001407299.1 and 3 more transcripts); c.1467dup, p.Pro490fs (NM_001407304.1, NM_001407305.1, NM_001407306.1 and 5 more transcripts); c.564dup, p.Pro189fs (NM_001407312.1, NM_001407313.1); c.49-527dup (NM_001407314.1); short protein forms P785fs, P189fs, P765fs, P490fs.
Identifiers: ClinVar variation 3012645 (VCV003012645.3), dbSNP rs2506409634, ClinGen allele CA2740093281.